The following is an entry in ClinVar:

ClinVar aggregate classification (germline): Uncertain significance (1 of 4 stars; one submission).

Conditions:
Emery-Dreifuss muscular dystrophy 4, autosomal dominant (EDMD4). Also called: EMERY-DREIFUSS MUSCULAR DYSTROPHY 4 WITH VARIABLE FEATURES. Identifiers: Orphanet 261, MedGen C2751807, MONDO:0013071, OMIM 612998.
Autosomal recessive ataxia, Beauce type. Also called: SYNE1-Related Autosomal Recessive Cerebellar Ataxia; Spinocerebellar ataxia, autosomal recessive 8; ATAXIA, RECESSIVE, OF BEAUCE; SYNE1 Deficiency. Identifiers: Orphanet 88644, MedGen C1853116, MONDO:0012549, OMIM 610743.

Allele frequency attached by ClinVar (database versions not stated): gnomAD exomes below 0.00001; gnomAD 0.00001; TOPMed 0.00001.
gnomAD v4.1: 2 of 1,614,090 alleles (0.00012%); highest among the groups gnomAD compares: African/African-American, 0.0027%; no homozygotes.

Submission:

Labcorp Genetics (formerly Invitae), Labcorp
Classification: Uncertain significance for Emery-Dreifuss muscular dystrophy 4, autosomal dominant; Autosomal recessive ataxia, Beauce type. Last evaluated: 2022-02-24. Review status: criteria provided, single submitter. Criteria: Invitae Variant Classification Sherloc (09022015). Collection method: clinical testing. Allele origin: germline.
Comment: In summary, the available evidence is currently insufficient to determine the role of this variant in disease. Therefore, it has been classified as a Variant of Uncertain Significance. Algorithms developed to predict the effect of missense changes on protein structure and function (SIFT, PolyPhen-2, Align-GVGD) all suggest that this variant is likely to be tolerated. This variant has not been reported in the literature in individuals affected with SYNE1-related conditions. This variant is not present in population databases (gnomAD no frequency). This sequence change replaces serine, which is neutral and polar, with asparagine, which is neutral and polar, at codon 3321 of the SYNE1 protein (p.Ser3321Asn).

NM_182961.4(SYNE1):c.9941G>A (p.Ser3314Asn)

Gene: SYNE1 (spectrin repeat containing nuclear envelope protein 1; minus strand). Cytogenetic location: 6q25.2.
Variant type: single nucleotide variant.
Coding change: c.9941G>A on transcript NM_182961.4 (MANE Select); coding-DNA position 9941, G replaced by A.
Protein change: p.Ser3314Asn; replaces serine 3314 with asparagine.
Molecular consequence: missense variant.
Genome position (GRCh38, 1-based): chr6:152,367,249, C>T on the plus strand (G>A on the coding strand, the complement: SYNE1 is on the minus strand). VCF-style: chr6-152367249-C-T. GRCh37 (hg19) VCF-style: chr6-152688384-C-T.
Other names: c.9962G>A, p.Ser3321Asn (NM_033071.5); short protein forms S3314N, S3321N.
Identifiers: ClinVar variation 1384887 (VCV001384887.8), dbSNP rs1188481121, ClinGen allele CA366135245.